The following is an entry in ClinVar:

ClinVar aggregate classification (germline): Pathogenic/Likely pathogenic. Review status: criteria provided, multiple submitters, no conflicts (2 of 4 stars). 2 submissions from 2 submitters: Pathogenic (1); Likely pathogenic (1). Last evaluated 2025-12-22.

Conditions:
CEP250-related disorder. Also called: CEP250-related condition.

gnomAD v4.1: 5 of 1,613,920 alleles (0.00031%); highest among the groups gnomAD compares: Non-Finnish European, 0.00042%; no homozygotes.

Submissions (2):

Labcorp Genetics (formerly Invitae), Labcorp
Classification: Pathogenic. Last evaluated: 2025-12-22. Review status: criteria provided, single submitter. Criteria: Invitae Variant Classification Sherloc (09022015). Collection method: clinical testing. Allele origin: germline.
Comment: This sequence change creates a premature translational stop signal (p.Gln1804*) in the CEP250 gene. It is expected to result in an absent or disrupted protein product. Loss-of-function variants in CEP250 are known to be pathogenic (PMID: 24780881, 29718797). This variant is not present in population databases (gnomAD no frequency). This variant has not been reported in the literature in individuals affected with CEP250-related conditions. For these reasons, this variant has been classified as Pathogenic.

Blueprint Genetics
Classification: Likely pathogenic for CEP250-related disorders. Last evaluated: 2021-09-10. Review status: criteria provided, single submitter. Criteria: ACMG Guidelines, 2015. Collection method: clinical testing. Allele origin: germline. Affected: yes. Observed: 1 variant allele.

Literature cited by the submitters: PubMed 24780881 (cited by Labcorp Genetics (formerly Invitae), Labcorp); PubMed 29718797 (cited by Labcorp Genetics (formerly Invitae), Labcorp).

NM_007186.6(CEP250):c.5410C>T (p.Gln1804Ter)

Gene: CEP250 (centrosomal protein 250; plus strand). Cytogenetic location: 20q11.22.
Variant type: single nucleotide variant.
Coding change: c.5410C>T on transcript NM_007186.6 (MANE Select); coding-DNA position 5410, C replaced by T.
Protein change: p.Gln1804Ter; replaces glutamine 1804 with a stop codon.
Molecular consequence: nonsense.
Genome position (GRCh38, 1-based): chr20:35,503,779, C>T. VCF-style: chr20-35503779-C-T. GRCh37 (hg19) VCF-style: chr20-34091607-C-T.
Other names: c.3514C>T, p.Gln1172Ter (NM_001318219.1); short protein forms Q1172*, Q1804*.
Identifiers: ClinVar variation 4698773 (VCV004698773.2).